The following is an entry in ClinVar:

NM_001079855.2(GYG2):c.1251+4G>T

Gene: GYG2 (glycogenin 2; plus strand). Cytogenetic location: Xp22.33.
Variant type: single nucleotide variant.
Coding change: c.1251+4G>T on transcript NM_001079855.2 (MANE Select); 4 bases into the intron after coding-DNA position 1251, G replaced by T.
Molecular consequence: intron variant.
Genome position (GRCh38, 1-based): chrX:2,877,311, G>T. VCF-style: chrX-2877311-G-T. GRCh37 (hg19) VCF-style: chrX-2795352-G-T.
Other names: c.1344+4G>T (NM_003918.3, NM_003918.2); c.1132-3741G>T (NM_001184703.2); c.1248+4G>T (NM_001184702.2); c.574-3741G>T (NM_001184704.2).
Identifiers: ClinVar variation 1906649 (VCV001906649.7), dbSNP rs766092271, ClinGen allele CA10337307.
Genomic context (GRCh38, chrX:2,877,311, plus strand): 5'-AGCCAGGAACTCCCTGCTGAGGCTCTCAGGGACCCCAGTCTGCAGGATGCACTGGAGGTG[G>T]TATCCAAATTCTTCCCCTTGCCCAAGGCTCCCGGTGGGGGCCATCCACCGTCACTGAGGT-3'

ClinVar aggregate classification (germline): Uncertain significance. Review status: criteria provided, single submitter (1 of 4 stars). 2 submissions from 2 submitters: Uncertain significance (1). 1 of the submissions does not count toward it. Last evaluated 2022-09-28.

Conditions:
GYG2-related disorder. Also called: GYG2-related condition.

Allele frequency attached by ClinVar (database versions not stated): gnomAD 0.00004; TOPMed 0.00007; gnomAD exomes 0.00010; ExAC 0.00015.

Submissions (2):

Labcorp Genetics (formerly Invitae), Labcorp
Classification: Uncertain significance. Last evaluated: 2022-09-28. Review status: criteria provided, single submitter. Criteria: Invitae Variant Classification Sherloc (09022015). Collection method: clinical testing. Allele origin: germline.
Comment: In summary, the available evidence is currently insufficient to determine the role of this variant in disease. Therefore, it has been classified as a Variant of Uncertain Significance. Variants that disrupt the consensus splice site are a relatively common cause of aberrant splicing (PMID: 17576681, 9536098). Algorithms developed to predict the effect of sequence changes on RNA splicing suggest that this variant may disrupt the consensus splice site. This variant has not been reported in the literature in individuals affected with GYG2-related conditions. This variant is present in population databases (rs766092271, gnomAD 0.03%). This sequence change falls in intron 11 of the GYG2 gene. It does not directly change the encoded amino acid sequence of the GYG2 protein. It affects a nucleotide within the consensus splice site.

PreventionGenetics, part of Exact Sciences
Classification: Likely benign for GYG2-related condition. Last evaluated: 2019-09-20. Review status: no assertion criteria provided. Collection method: clinical testing. Allele origin: germline. Not counted in ClinVar's aggregate classification.
Comment: This variant is classified as likely benign based on ACMG/AMP sequence variant interpretation guidelines (Richards et al. 2015 PMID: 25741868, with internal and published modifications).

Literature cited by the submitters: PubMed 17576681 (cited by Labcorp Genetics (formerly Invitae), Labcorp); PubMed 9536098 (cited by Labcorp Genetics (formerly Invitae), Labcorp).